The following is an entry in ClinVar:

NM_005996.4(TBX3):c.1009G>A (p.Ala337Thr)

Gene: TBX3 (T-box transcription factor 3; minus strand). Cytogenetic location: 12q24.21.
Variant type: single nucleotide variant.
Coding change: c.1009G>A on transcript NM_005996.4 (MANE Select); coding-DNA position 1009, G replaced by A.
Protein change: p.Ala337Thr; replaces alanine 337 with threonine.
Molecular consequence: missense variant.
Genome position (GRCh38, 1-based): chr12:114,676,343, C>T on the plus strand (G>A on the coding strand, the complement: TBX3 is on the minus strand). VCF-style: chr12-114676343-C-T. GRCh37 (hg19) VCF-style: chr12-115114148-C-T.
Other names: c.1069G>A, p.Ala357Thr (NM_016569.4); c.1069G>A (NM_016569.3); short protein forms A337T, A357T.
Identifiers: ClinVar variation 1049152 (VCV001049152.8), dbSNP rs140580685, ClinGen allele CA6810036.

ClinVar aggregate classification (germline): Uncertain significance. Review status: criteria provided, single submitter (1 of 4 stars). 3 submissions from 3 submitters: Uncertain significance (1). 2 of the submissions do not count toward it. Last evaluated 2022-10-01.

Conditions:
TBX3-related disorder. Also called: TBX3-related condition.
Ulnar-mammary syndrome (UMS). Also called: Ulnar-mammary syndrome of Pallister; PALLISTER ULNAR-MAMMARY SYNDROME; SCHINZEL SYNDROME. Identifiers: Orphanet 3138, MedGen C1866994, MONDO:0008411, OMIM 181450.

Allele frequency attached by ClinVar (database versions not stated): TOPMed 0.00004; ExAC 0.00005; gnomAD exomes 0.00005 and 0.00011; gnomAD 0.00007 and 0.00008; ESP Exome Variant Server 0.00023.
gnomAD v4.1: 165 of 1,613,940 alleles (0.01%); highest among the groups gnomAD compares: Non-Finnish European, 0.014%; no homozygotes.

Submissions (3):

Labcorp Genetics (formerly Invitae), Labcorp
Classification: Uncertain significance for Ulnar-mammary syndrome. Last evaluated: 2022-10-01. Review status: criteria provided, single submitter. Criteria: Invitae Variant Classification Sherloc (09022015). Collection method: clinical testing. Allele origin: germline.
Comment: ClinVar contains an entry for this variant (Variation ID: 1049152). In summary, the available evidence is currently insufficient to determine the role of this variant in disease. Therefore, it has been classified as a Variant of Uncertain Significance. Algorithms developed to predict the effect of missense changes on protein structure and function are either unavailable or do not agree on the potential impact of this missense change (SIFT: "Deleterious"; PolyPhen-2: "Benign"; Align-GVGD: "Class C0"). This variant has not been reported in the literature in individuals affected with TBX3-related conditions. This variant is present in population databases (rs140580685, gnomAD 0.01%). This sequence change replaces alanine, which is neutral and non-polar, with threonine, which is neutral and polar, at codon 337 of the TBX3 protein (p.Ala337Thr).

PreventionGenetics, part of Exact Sciences
Classification: Uncertain significance for TBX3-related condition. Last evaluated: 2024-03-04. Review status: no assertion criteria provided. Collection method: clinical testing. Allele origin: germline. Not counted in ClinVar's aggregate classification.
Comment: The TBX3 c.1069G>A variant is predicted to result in the amino acid substitution p.Ala357Thr. To our knowledge, this variant has not been reported in the literature. This variant is reported in 0.011% of alleles in individuals of European (Non-Finnish) descent in gnomAD. Although we suspect that this variant may be benign, at this time, the clinical significance of this variant is uncertain due to the absence of conclusive functional and genetic evidence.

Department of Pathology and Laboratory Medicine, Sinai Health System
Classification: Uncertain significance. Review status: no assertion criteria provided. Collection method: clinical testing. Allele origin: unknown. Affected: yes. Study: The Canadian Open Genetics Repository (COGR). Not counted in ClinVar's aggregate classification.
Comment: The TBX3 p.Ala337Thr variant was not identified in the literature nor was it identified in the ClinVar or Clinvitae databases. The variant was identified in dbSNP (ID: rs140580685), Cosmic (predicted pathogenic by FATHMM), MutDB and LOVD 3.0. The variant was identified in control databases in 14 of 282882 chromosomes at a frequency of 0.000049 (Genome Aggregation Database Feb 27, 2017). The variant was observed in the following population: European (non-Finnish) in 14 of 129188 chromosomes (freq: 0.000108), but not in the African, Latino, Ashkenazi Jewish, East Asian, European (Finnish), Other, and South Asian populations. The p.Ala337 residue is not conserved in mammals and four out of five computational analyses (PolyPhen-2, AlignGVGD, BLOSUM, and MutationTaster) do not suggest a high likelihood of impact to the protein; however, this information is not predictive enough to rule out pathogenicity. In summary, based on the above information the clinical significance of this variant cannot be determined with certainty at this time. This variant is classified as a variant of uncertain significance.